The following is an entry in ClinVar:

NM_000059.4(BRCA2):c.10187G>C (p.Ser3396Thr)

Gene: BRCA2 (BRCA2 DNA repair associated; plus strand). Cytogenetic location: 13q13.1.
Variant type: single nucleotide variant.
Coding change: c.10187G>C on transcript NM_000059.4 (MANE Select); coding-DNA position 10187, G replaced by C.
Protein change: p.Ser3396Thr; replaces serine 3396 with threonine.
Molecular consequence: missense variant. On other transcripts: non-coding transcript variant (1).
Genome position (GRCh38, 1-based): chr13:32,398,700, G>C. VCF-style: chr13-32398700-G-C. GRCh37 (hg19) VCF-style: chr13-32972837-G-C.
Other names: c.10091G>C, p.Ser3364Thr (NM_001406719.1); c.10136G>C, p.Ser3379Thr (NM_001406720.1); c.5255G>C, p.Ser1752Thr (NM_001406721.1); c.3770G>C, p.Ser1257Thr (NM_001406722.1); c.10187G>C, p.Ser3396Thr (NM_001432077.1); short protein forms S3364T, S1257T, S1752T, S3379T, S3396T.
Identifiers: ClinVar variation 4215873 (VCV004215873.1).

ClinVar aggregate classification (germline): Uncertain significance (1 of 4 stars; one submission).

Conditions:
Hereditary cancer-predisposing syndrome. Also called: Hereditary Cancer Syndrome; Hereditary neoplastic syndrome; Neoplastic Syndromes, Hereditary; Tumor predisposition. Identifiers: Orphanet 140162, MedGen C0027672, MeSH D009386, MONDO:0015356.

Submission:

Ambry Genetics
Classification: Uncertain significance for Hereditary cancer-predisposing syndrome. Last evaluated: 2025-07-22. Review status: criteria provided, single submitter. Criteria: Ambry Variant Classification Scheme 2023. Collection method: clinical testing. Allele origin: germline.
Comment: The p.S3396T variant (also known as c.10187G>C), located in coding exon 26 of the BRCA2 gene, results from a G to C substitution at nucleotide position 10187. The serine at codon 3396 is replaced by threonine, an amino acid with similar properties. This amino acid position is conserved. In addition, this alteration is predicted to be tolerated by in silico analysis. Based on the available evidence, the clinical significance of this variant remains unclear.